The following is an entry in ClinVar:

NC_000003.12:g.169765048C>A

Genes: TERC (telomerase RNA component; minus strand), LOC110806306 (telomerase RNA component (TERC) promoter; plus strand). Cytogenetic location: 3q26.2.
Variant type: single nucleotide variant.
Genome position: GRCh38 VCF-style: chr3-169765048-C-A. GRCh37 (hg19) VCF-style: chr3-169482836-C-A.
Identifiers: ClinVar variation 999986 (VCV000999986.9), dbSNP rs1383902005, ClinGen allele CA436716048.

ClinVar aggregate classification (germline): Uncertain significance (1 of 4 stars; one submission).

Conditions:
Dyskeratosis congenita, autosomal dominant 1 (DKCA1). Also called: Dyskeratosis congenita Scoggins type. Identifiers: Orphanet 1775, MedGen C4551974, MONDO:0007485, OMIM 127550. Inheritance: Variable.

Submission:

Labcorp Genetics (formerly Invitae), Labcorp
Classification: Uncertain significance for Dyskeratosis congenita, autosomal dominant 1. Last evaluated: 2020-08-27. Review status: criteria provided, single submitter. Criteria: Invitae Variant Classification Sherloc (09022015). Collection method: clinical testing. Allele origin: germline.
Comment: This variant occurs in the TERC gene, which encodes an RNA molecule that does not result in a protein product. In summary, the available evidence is currently insufficient to determine the role of this variant in disease. Therefore, it has been classified as a Variant of Uncertain Significance. This variant is located at the 5’ end of the TERC RNA component (PMID: 15082312, 21844345). Functional studies testing the effect of this variant on TERC secondary structure or function have not been reported. This variant has not been reported in the literature in individuals with TERC-related conditions. This variant is not present in population databases (ExAC no frequency).

Literature cited by the submitters: PubMed 15082312; PubMed 21844345.